The following is an entry in ClinVar:

ClinVar aggregate classification (germline): Pathogenic/Likely pathogenic. Review status: criteria provided, multiple submitters, no conflicts (2 of 4 stars). 3 submissions from 3 submitters: Pathogenic (2); Likely pathogenic (1). Last evaluated 2025-07-30.

Conditions:
Hereditary cancer-predisposing syndrome. Also called: Neoplastic Syndromes, Hereditary; Hereditary Cancer Syndrome; Hereditary neoplastic syndrome; Tumor predisposition. Identifiers: Orphanet 140162, MedGen C0027672, MeSH D009386, MONDO:0015356.
Hereditary leiomyomatosis and renal cell cancer. Also called: LEIOMYOMA, MULTIPLE CUTANEOUS; MULTIPLE CUTANEOUS AND UTERINE LEIOMYOMATA 1, WITH OR WITHOUT RENAL CELL CARCINOMA; Reed syndrome; Multiple cutaneous and uterine leiomyomatosis; Cutaneous leiomyomata with uterine leiomyomata; Leiomyoma, hereditary multiple, of skin. Identifiers: Orphanet 523, MedGen C1708350, MONDO:0007888, OMIM 150800, HP:0007437. Disease mechanism: loss of function.

Submissions (3):

Labcorp Genetics (formerly Invitae), Labcorp
Classification: Pathogenic. Last evaluated: 2025-07-30. Review status: criteria provided, single submitter. Criteria: Invitae Variant Classification Sherloc (09022015). Collection method: clinical testing. Allele origin: germline.
Comment: This sequence change affects a donor splice site in intron 2 of the FH gene. It is expected to disrupt RNA splicing. Variants that disrupt the donor or acceptor splice site typically lead to a loss of protein function (PMID: 16199547), and loss-of-function variants in FH are known to be pathogenic (PMID: 11865300, 21398687). This variant is not present in population databases (gnomAD no frequency). Disruption of this splice site has been observed in individual(s) with hereditary leiomyomatosis and renal cell cancer (PMID: 16597677). It has also been observed to segregate with disease in related individuals. ClinVar contains an entry for this variant (Variation ID: 405927). Algorithms developed to predict the effect of sequence changes on RNA splicing suggest that this variant may disrupt the consensus splice site. For these reasons, this variant has been classified as Pathogenic.

Myriad Genetics, Inc.
Classification: Likely pathogenic for Hereditary leiomyomatosis and renal cell cancer. Last evaluated: 2024-03-20. Review status: criteria provided, single submitter. Criteria: Myriad Autosomal Dominant, Autosomal Recessive and X-Linked Classification Criteria (2023). Collection method: clinical testing. Allele origin: unknown.
Comment: This variant is considered likely pathogenic. This variant occurs within a consensus splice junction and is predicted to result in abnormal mRNA splicing of either an out-of-frame exon or an in-frame exon necessary for protein stability and/or normal function.

Ambry Genetics
Classification: Pathogenic for Hereditary cancer-predisposing syndrome. Last evaluated: 2022-01-24. Review status: criteria provided, single submitter. Criteria: Ambry Variant Classification Scheme 2023. Collection method: clinical testing. Allele origin: germline.
Comment: The c.267+1G>A intronic pathogenic mutation results from a G to A substitution one nucleotide after coding exon 2 of the FH gene. Alterations that disrupt the canonical splice site are expected to result in aberrant splicing. In silico splice site analysis predicts that this alteration will weaken the native splice donor site and will result in the creation or strengthening of a novel splice donor site. RNA studies have demonstrated that this alteration results in abnormal splicing in the set of samples tested (Ambry internal data). The resulting transcript is in-frame and is not expected to trigger nonsense-mediated mRNA decay; however, the impacted region is considered critical for protein function (Ambry internal data). Another alteration impacting the same donor site (c.267+1G>C) has been reported in multiple individuals with FH-associated disease (Wei MH et al. J Med Genet. 2006 Jan;43:18-27; Zhang L et al. Hum Mutat. 2020 01;41:103-109; Pithukpakorn M et al. J Med Genet. 2006 Sep;43:755-62). This nucleotide position is highly conserved in available vertebrate species. This variant is considered to be rare based on population cohorts in the Genome Aggregation Database (gnomAD). Based on the supporting evidence, this alteration is interpreted as a disease-causing mutation.

Literature cited by the submitters: PubMed 16199547 (cited by Labcorp Genetics (formerly Invitae), Labcorp); PubMed 11865300 (cited by Labcorp Genetics (formerly Invitae), Labcorp); PubMed 21398687 (cited by Labcorp Genetics (formerly Invitae), Labcorp); PubMed 16597677 (cited by Labcorp Genetics (formerly Invitae), Labcorp); PubMed 28300276 (cited by Ambry Genetics).

NM_000143.4(FH):c.267+1G>A

Gene: FH (fumarate hydratase; minus strand). Cytogenetic location: 1q43.
Variant type: single nucleotide variant.
Coding change: c.267+1G>A on transcript NM_000143.4 (MANE Select); the canonical splice donor site of the intron after coding-DNA position 267, G replaced by A.
Molecular consequence: splice donor variant.
Genome position (GRCh38, 1-based): chr1:241,517,181, C>T on the plus strand (G>A on the coding strand, the complement: FH is on the minus strand). VCF-style: chr1-241517181-C-T. GRCh37 (hg19) VCF-style: chr1-241680481-C-T.
Identifiers: ClinVar variation 405927 (VCV000405927.15), dbSNP rs878853691, ClinGen allele CA16610064.
Genomic context (GRCh38, chr1:241,517,181, plus strand): 5'-TGACTCATGAATACAGCCTACTTCATCCAAAATAGCCAACATTTCCACAAATGCCACTTA[C>T]TGGCATGCGTTCTGTCACACCTCCAATCTTAAAGTTCATCGTAGATCTCACGGTCTGGGC-3'